The following is an entry in ClinVar:

NM_000238.4(KCNH2):c.1882G>A (p.Gly628Ser)

Gene: KCNH2 (potassium voltage-gated channel subfamily H member 2; minus strand). Cytogenetic location: 7q36.1.
Variant type: single nucleotide variant.
Coding change: c.1882G>A on transcript NM_000238.4 (MANE Select); coding-DNA position 1882, G replaced by A.
Protein change: p.Gly628Ser; replaces glycine 628 with serine.
Molecular consequence: missense variant.
Genome position (GRCh38, 1-based): chr7:150,951,511, C>T on the plus strand (G>A on the coding strand, the complement: KCNH2 is on the minus strand). VCF-style: chr7-150951511-C-T. GRCh37 (hg19) VCF-style: chr7-150648599-C-T.
Other names: c.862G>A, p.Gly288Ser (NM_001204798.2, NM_172057.3); c.1594G>A, p.Gly532Ser (NM_001406753.1, NM_001406756.1); c.1705G>A, p.Gly569Ser (NM_001406755.1); c.1582G>A, p.Gly528Ser (NM_001406757.1); c.1882G>A, p.Gly628Ser (NM_172056.3); c.1882G>A (LRG_288t1); short protein forms G628S, G288S, G532S, G528S, G569S.
Identifiers: ClinVar variation 14427 (VCV000014427.23), dbSNP rs121912507, ClinGen allele CA005807.

ClinVar aggregate classification (germline): Pathogenic/Likely pathogenic. Review status: criteria provided, multiple submitters, no conflicts (2 of 4 stars). 15 submissions from 14 submitters: Pathogenic (12); Likely pathogenic (1). 2 of the submissions do not count toward it. Last evaluated 2025-10-31.

Conditions:
KCNH2-related disorder. Also called: KCNH2-related disorders; KCNH2-related condition.
Cardiovascular phenotype. Identifiers: MedGen CN230736.
Familial long QT syndrome (RWS). Also called: Romano-Ward syndrome; VENTRICULAR FIBRILLATION WITH PROLONGED QT INTERVAL; Congenital long QT syndrome. Identifiers: Orphanet 768, MedGen C1141890, MONDO:0019171.
Long QT syndrome (LQTS). Identifiers: MedGen C0023976, MeSH D008133, MONDO:0002442. Disease mechanism: loss of function. Inheritance: Various modes of inheritance.
Long QT syndrome 2 (LQT2). Identifiers: Orphanet 101016, Orphanet 768, MedGen C3150943, MONDO:0013367, OMIM 613688.
Short QT syndrome type 1. Identifiers: Orphanet 51083, MedGen C1865020, MONDO:0012312, OMIM 609620.

Allele frequency attached by ClinVar (database versions not stated): gnomAD exomes below 0.00001.
gnomAD v4.1: 1 of 1,614,230 alleles (0.000062%); highest among the groups gnomAD compares: Non-Finnish European, 0.000085%; no homozygotes.

Submissions 1 to 9 of 15:

Dasa
Classification: Pathogenic. Last evaluated: 2025-10-31. Review status: criteria provided, single submitter. Criteria: DASA Assertion Criteria. Collection method: clinical testing. Allele origin: germline.
Comment: NM_000238.4(KCNH2):c.1882G>A (p.Gly628Ser) is a missense variant that results in the substitution of glycine with serine. The affected residue or protein region has prior evidence supporting clinical relevance. De novo occurrence has been reported in an individual with related phenotype. Functional evidence supports a deleterious effect on the gene or gene product (PMID: 7889573; PMID: 10973849; PMID: 14998624; PMID: 16922724; PMID: 28676183). This variant has been recurrently observed in individuals with related phenotype (PMID: 7889573; PMID: 10973849; PMID: 14998624; PMID: 16922724; PMID: 28676183). Multiple computational predictions support a deleterious effect on the gene or gene product. The variant is present at low frequency in population datasets. Based on the available data, this variant is classified as pathogenic.

Labcorp Genetics (formerly Invitae), Labcorp
Classification: Pathogenic for Long QT syndrome. Last evaluated: 2024-07-15. Review status: criteria provided, single submitter. Criteria: Invitae Variant Classification Sherloc (09022015). Collection method: clinical testing. Allele origin: germline.
Comment: This sequence change replaces glycine, which is neutral and non-polar, with serine, which is neutral and polar, at codon 628 of the KCNH2 protein (p.Gly628Ser). This variant is not present in population databases (gnomAD no frequency). This missense change has been observed in individual(s) with long QT syndrome (PMID: 7889573, 14998624, 16922724, 17088455, 22949429). In at least one individual the variant was observed to be de novo. ClinVar contains an entry for this variant (Variation ID: 14427). An algorithm developed to predict the effect of missense changes on protein structure and function (PolyPhen-2) suggests that this variant is likely to be disruptive. Experimental studies have shown that this missense change affects KCNH2 function (PMID: 8700910, 9694858, 23303164). For these reasons, this variant has been classified as Pathogenic.

Revvity Omics, Revvity
Classification: Pathogenic. Last evaluated: 2024-04-18. Review status: criteria provided, single submitter. Criteria: ACMG Guidelines, 2015. Collection method: clinical testing. Allele origin: germline.

Baylor Genetics
Classification: Pathogenic for Long QT syndrome 2. Last evaluated: 2024-02-29. Review status: criteria provided, single submitter. Criteria: ACMG Guidelines, 2015. Collection method: clinical testing. Allele origin: unknown.

Baylor Genetics
Classification: Pathogenic for Short QT syndrome type 1. Last evaluated: 2024-02-29. Review status: criteria provided, single submitter. Criteria: ACMG Guidelines, 2015. Collection method: clinical testing. Allele origin: unknown.

PreventionGenetics, part of Exact Sciences
Classification: Pathogenic for KCNH2-related condition. Last evaluated: 2022-08-29. Review status: criteria provided, single submitter. Criteria: ACMG Guidelines, 2015. Collection method: clinical testing. Allele origin: germline.
Comment: The KCNH2 c.1882G>A variant is predicted to result in the amino acid substitution p.Gly628Ser. This variant was reported in numerous individuals with long QT syndrome, including at least two cases confirmed to have occurred de novo (Curran et al. 1995. PubMed ID: 7889573; Splawski et al. 2000. PubMed ID: 10973849; Lupoglazoff et al. 2004. PubMed ID: 14998624; Shim et al. 2005. PubMed ID: 16379539; Table S2, Giudicessi et al. 2012. PubMed ID: 22949429; Supplementary table, Marschall et al. 2019. PubMed ID: 31737537). Functional studies showed that this variant disrupts channel permeation and repolarization (Anderson et al. 2006. PubMed ID: 16432067; Brunner et al. 2008. PubMed ID: 18464931; Es-Salah-Lamoureux et al. 2011. PubMed ID: 21806934; Table SII, Jou et al. 2013. PubMed ID: 23303164). This variant has not been reported in a large population database, indicating this variant is rare. This variant is interpreted as pathogenic.

Blueprint Genetics
Classification: Pathogenic for KCNH2-related disorders. Last evaluated: 2022-02-04. Review status: criteria provided, single submitter. Criteria: ACMG Guidelines, 2015. Collection method: clinical testing. Allele origin: germline. Affected: yes. Observed: 1 variant allele.

Victorian Clinical Genetics Services, Murdoch Childrens Research Institute
Classification: Pathogenic for Long QT syndrome 2. Last evaluated: 2022-02-02. Review status: criteria provided, single submitter. Criteria: ACMG Guidelines, 2015. Collection method: clinical testing. Allele origin: germline. Inheritance: Autosomal dominant inheritance. Affected: yes.
Comment: Based on the classification scheme VCGS_Germline_v1.3.4, this variant is classified as Pathogenic. Following criteria are met: 0103 - Dominant negative and loss of function are known mechanisms of disease in this gene and are associated with Long QT syndrome 2 (MIM#613688). Gain of function is also a known mechanism associated with Short QT syndrome 1 (MIM#609620) (OMIM, PMID: 10753933; PMID: 21777565). (I) 0107 - This gene is associated with autosomal dominant disease. (I) 0112 - The condition associated with this gene has incomplete penetrance (PMID: 20301308). (I) 0200 - Variant is predicted to result in a missense amino acid change from glycine to serine. (I) 0251 - This variant is heterozygous. (I) 0301 - Variant is absent from gnomAD (both v2 and v3). (SP) 0501 - Missense variant consistently predicted to be damaging by multiple in silico tools or highly conserved with a major amino acid change. (SP) 0601 - Variant is located in the well-established functional ion transport domain, within the pore (UniProt). (SP) 0704 - Another missense variant comparable to the one identified in this case has limited previous evidence for pathogenicity. There are multiple alternative changes at the same amino acid position reported in ClinVar. At least one alternative change to an alanine has been reported in individual with LQT (ClinVar, PMID: 19996378). (SP) 0801 - This variant has strong previous evidence of pathogenicity in unrelated individuals. This is a well reported pathogenic variant associated with LQT (ClinVar, PMID: 10973849, 16922724, 19996378, 22949429, 25608792, 27492745). (SP) 1208 - Inheritance information for this variant is not currently available in this individual. (I) Legend: (SP) - Supporting pathogenic, (I) - Information, (SB) - Supporting benign

Illumina Laboratory Services, Illumina
Classification: Pathogenic for Long QT syndrome 2. Last evaluated: 2019-04-20. Review status: criteria provided, single submitter. Criteria: ICSLVariantClassificationCriteria RUGD 01 April 2020. Collection method: clinical testing. Allele origin: unknown.
Comment: The KCNH2 c.1882G>A (p.Gly628Ser) variant is a missense variant that has been reported in at least five studies and is found in a total of six individuals with long QT syndrome, including at least two neonates, all in a heterozygous state (Curran et al. 1995; Splawski et al. 2000; Lupoglazoff et al. 2004; Shim et al. 2005; Kapa et al. 2009). The variant was confirmed to be de novo in two of the cases and was not identified in the parents of a third, but parentage was not confirmed. The p.Gly628Ser variant was absent from more than 1600 controls and it is not found in the Genome Aggregation Database in a region of good sequence coverage, so the variant is presumed to be rare. The variant is found in the pore-forming domain of the protein and variants in this region are known to affect potassium ion transport (Curran et al. 1995; Shim et al. 2005). Based on the collective evidence and the application of the ACMG criteria, the p.Gly628Ser variant is classified as pathogenic for long QT syndrome.